The following is an entry in ClinVar:

NM_002296.4(LBR):c.760T>G (p.Trp254Gly)

Gene: LBR (lamin B receptor; minus strand). Cytogenetic location: 1q42.12.
Variant type: single nucleotide variant.
Coding change: c.760T>G on transcript NM_002296.4 (MANE Select); coding-DNA position 760, T replaced by G.
Protein change: p.Trp254Gly; replaces tryptophan 254 with glycine.
Molecular consequence: missense variant.
Genome position (GRCh38, 1-based): chr1:225,418,061, A>C on the plus strand (T>G on the coding strand, the complement: LBR is on the minus strand). VCF-style: chr1-225418061-A-C. GRCh37 (hg19) VCF-style: chr1-225605763-A-C.
Other names: c.760T>G, p.Trp254Gly (NM_194442.3); short protein forms W254G.
Identifiers: ClinVar variation 2470819 (VCV002470819.4), dbSNP rs1393344778, ClinGen allele CA344998520.
Genomic context (GRCh38, chr1:225,418,061, plus strand): 5'-GGTAGAACAGGACTTGAATCAAAAACCACAGGAGGTAGACCCCAAATACTCTGGTTTCCC[A>C]TAACTCATACAAAGCTGGCAAAGGAGGAGGGAAATTCAGAAGACTGGGATCTTTCTGTTT-3'
Protein context (NP_002287.2, residues 244-264): PPPLPALYEL[Trp254Gly]ETRVFGVYLL

ClinVar aggregate classification (germline): Uncertain significance. Review status: criteria provided, multiple submitters, no conflicts (2 of 4 stars). 2 submissions from 2 submitters: Uncertain significance (2). Last evaluated 2024-12-04.

Conditions:
Inborn genetic diseases. Identifiers: MedGen C0950123, MeSH D030342.

gnomAD v4.1: 135 of 1,614,122 alleles (0.0084%); highest among the groups gnomAD compares: Non-Finnish European, 0.011%; no homozygotes.

Submissions (2):

Labcorp Genetics (formerly Invitae), Labcorp
Classification: Uncertain significance. Last evaluated: 2024-12-04. Review status: criteria provided, single submitter. Criteria: Invitae Variant Classification Sherloc (09022015). Collection method: clinical testing. Allele origin: germline.
Comment: This sequence change replaces tryptophan, which is neutral and slightly polar, with glycine, which is neutral and non-polar, at codon 254 of the LBR protein (p.Trp254Gly). This variant is present in population databases (no rsID available, gnomAD 0.004%). This variant has not been reported in the literature in individuals affected with LBR-related conditions. ClinVar contains an entry for this variant (Variation ID: 2470819). Invitae Evidence Modeling of protein sequence and biophysical properties (such as structural, functional, and spatial information, amino acid conservation, physicochemical variation, residue mobility, and thermodynamic stability) indicates that this missense variant is expected to disrupt LBR protein function with a positive predictive value of 80%. In summary, the available evidence is currently insufficient to determine the role of this variant in disease. Therefore, it has been classified as a Variant of Uncertain Significance.

Ambry Genetics
Classification: Uncertain significance for Inborn genetic diseases. Last evaluated: 2023-03-02. Review status: criteria provided, single submitter. Criteria: Ambry Variant Classification Scheme 2023. Collection method: clinical testing. Allele origin: germline.